The following is an entry in ClinVar:

ClinVar aggregate classification (germline): Likely benign. Review status: criteria provided, single submitter (1 of 4 stars). 2 submissions from 2 submitters: Likely benign (1). 1 of the submissions does not count toward it. Last evaluated 2022-04-22.

Conditions:
Gorlin syndrome. Also called: Nevoid Basal Cell Carcinoma Syndrome; Basal cell nevus syndrome. Identifiers: Orphanet 377, MedGen C0004779, MONDO:0007187.
PTCH2-related disorder. Also called: PTCH2-related condition; PTCH2-related disease.

Allele frequency attached by ClinVar (database versions not stated): TOPMed 0.00002.

Submissions (2):

Labcorp Genetics (formerly Invitae), Labcorp
Classification: Likely benign for Gorlin syndrome. Last evaluated: 2022-04-22. Review status: criteria provided, single submitter. Criteria: Invitae Variant Classification Sherloc (09022015). Collection method: clinical testing. Allele origin: germline.

PreventionGenetics, part of Exact Sciences
Classification: Likely benign for PTCH2-related condition. Last evaluated: 2023-12-18. Review status: no assertion criteria provided. Collection method: clinical testing. Allele origin: germline. Not counted in ClinVar's aggregate classification.
Comment: This variant is classified as likely benign based on ACMG/AMP sequence variant interpretation guidelines (Richards et al. 2015 PMID: 25741868, with internal and published modifications).

NM_003738.5(PTCH2):c.3339C>A (p.Ile1113=)

Gene: PTCH2 (patched 2; minus strand). Cytogenetic location: 1p34.1.
Variant type: single nucleotide variant.
Coding change: c.3339C>A on transcript NM_003738.5 (MANE Select); coding-DNA position 3339, C replaced by A.
Protein change: p.Ile1113=; no amino-acid change (isoleucine 1113 retained).
Molecular consequence: synonymous variant.
Genome position (GRCh38, 1-based): chr1:44,823,087, G>T on the plus strand (C>A on the coding strand, the complement: PTCH2 is on the minus strand). VCF-style: chr1-44823087-G-T. GRCh37 (hg19) VCF-style: chr1-45288759-G-T.
Other names: c.3339C>A, p.Ile1113= (NM_001166292.2); c.3339C>A (NM_003738.4).
Identifiers: ClinVar variation 2085067 (VCV002085067.6), dbSNP rs1652979831, ClinGen allele CA417561295.
Genomic context (GRCh38, chr1:44,823,087, plus strand): 5'-CTTGGGCTGGGAGTAGAGGGATGGTGCCGAGGGTGTGGTCACCTCTGGCGGCGGGCCCAG[G>T]ATGGACAGCAGCACAGGCAGCAGCACGAGTCCATGGAGGAGGCCCAGGAGCGTGAGCACT-3'
Protein context (NP_003729.3, residues 1103-1123): GLVLLPVLLS[Ile1113=]LGPPPEVIQM